The following is an entry in ClinVar:

NM_024490.4(ATP10A):c.2996G>A (p.Arg999His)

Gene: ATP10A (ATPase phospholipid transporting 10A (putative); minus strand). Cytogenetic location: 15q12.
Variant type: single nucleotide variant.
Coding change: c.2996G>A on transcript NM_024490.4 (MANE Select); coding-DNA position 2996, G replaced by A.
Protein change: p.Arg999His; replaces arginine 999 with histidine.
Molecular consequence: missense variant.
Genome position (GRCh38, 1-based): chr15:25,694,911, C>T on the plus strand (G>A on the coding strand, the complement: ATP10A is on the minus strand). VCF-style: chr15-25694911-C-T. GRCh37 (hg19) VCF-style: chr15-25940058-C-T.
Other names: short protein forms R999H.
Identifiers: ClinVar variation 784534 (VCV000784534.29), dbSNP rs77410940, ClinGen allele CA7436296.
Genomic context (GRCh38, chr15:25,694,911, plus strand): 5'-CGCACCAGCTTCACCACCATGCTCTTCTGCAGAGGCGTCGACCGACAGCAGAGGACGGAG[C>T]GGCACTGCTTGGCAAGGAAGAGGAATTTGTCCTCCAGGTTTTTCTCGAGAGCGTAGGCCA-3'
Protein context (NP_077816.1, residues 989-1009): DKFLFLAKQC[Arg999His]SVLCCRSTPL

ClinVar aggregate classification (germline): Likely benign. Review status: criteria provided, multiple submitters, no conflicts (2 of 4 stars). 3 submissions from 3 submitters: Likely benign (3). Last evaluated 2025-02-01.

Allele frequency attached by ClinVar (database versions not stated): 1000 Genomes Project 30x 0.00031; 1000 Genomes Project 0.00040; TOPMed 0.00291; gnomAD 0.00303 and 0.00312; ESP Exome Variant Server 0.00315; ExAC 0.00328.
gnomAD v4.1: 6,019 of 1,614,154 alleles (0.37%); highest among the groups gnomAD compares: Middle Eastern, 0.4%; 25 homozygotes.

Submissions (3):

CeGaT Center for Human Genetics Tuebingen
Classification: Likely benign. Last evaluated: 2025-02-01. Review status: criteria provided, single submitter. Criteria: CeGaT Center For Human Genetics Tuebingen Variant Classification Criteria Version 2. Collection method: clinical testing. Allele origin: germline. Affected: yes. Observed: 3 variant alleles.
Comment: ATP10A: BP4, BS2

Labcorp Genetics (formerly Invitae), Labcorp
Classification: Likely benign. Last evaluated: 2019-12-31. Review status: criteria provided, single submitter. Criteria: Invitae Variant Classification Sherloc (09022015). Collection method: clinical testing. Allele origin: germline.

Breakthrough Genomics
Classification: Likely benign. Review status: criteria provided, single submitter. Criteria: ACMG Guidelines, 2015. Collection method: not provided. Allele origin: germline. Inheritance: Unknown mechanism. Affected: yes.